The following is an entry in ClinVar:

ClinVar aggregate classification (germline): Likely pathogenic (1 of 4 stars; one submission).

Conditions:
Familial thoracic aortic aneurysm and aortic dissection (TAAD). Also called: Thoracic aortic aneurysms and dissections. Identifiers: Orphanet 91387, MedGen C4707243, MONDO:0019625.
Marfan syndrome (MFS). Also called: Marfan syndrome, classic; Marfan syndrome type 1; Marfan's syndrome; FBN1-Related Marfan Syndrome; MARFAN SYNDROME, TYPE I. Identifiers: Orphanet 284963, Orphanet 558, MedGen C0024796, MONDO:0007947, OMIM 154700.

Submission:

Labcorp Genetics (formerly Invitae), Labcorp
Classification: Likely pathogenic for Marfan syndrome; Familial thoracic aortic aneurysm and aortic dissection. Last evaluated: 2019-05-15. Review status: criteria provided, single submitter. Criteria: Invitae Variant Classification Sherloc (09022015). Collection method: clinical testing. Allele origin: germline.
Comment: This variant has not been reported in the literature in individuals with FBN1-related conditions. In summary, the currently available evidence indicates that the variant is pathogenic, but additional data are needed to prove that conclusively. Therefore, this variant has been classified as Likely Pathogenic. This variant affects a cysteine residue in the EGF-like, TGFBP or hybrid motif domains of FBN1. Cysteine residues are believed to be involved in intramolecular disulfide bridges and have been shown to be important for FBN1 protein structure (PMID: 16905551, 19349279). In addition, missense substitutions affecting cysteine residues within these domains are significantly overrepresented among patients with Marfan syndrome (PMID: 16571647, 17701892). This variant is not present in population databases (ExAC no frequency). This sequence change replaces cysteine with tyrosine at codon 1095 of the FBN1 protein (p.Cys1095Tyr). The cysteine residue is highly conserved and there is a large physicochemical difference between cysteine and tyrosine.

Literature cited by the submitters: PubMed 16905551; PubMed 19349279; PubMed 16571647; PubMed 17701892.

NM_000138.5(FBN1):c.3284G>A (p.Cys1095Tyr)

Gene: FBN1 (fibrillin 1; minus strand). Cytogenetic location: 15q21.1.
Variant type: single nucleotide variant.
Coding change: c.3284G>A on transcript NM_000138.5 (MANE Select); coding-DNA position 3284, G replaced by A.
Protein change: p.Cys1095Tyr; replaces cysteine 1095 with tyrosine.
Molecular consequence: missense variant.
Genome position (GRCh38, 1-based): chr15:48,488,166, C>T on the plus strand (G>A on the coding strand, the complement: FBN1 is on the minus strand). VCF-style: chr15-48488166-C-T. GRCh37 (hg19) VCF-style: chr15-48780363-C-T.
Other names: short protein forms C1095Y.
Identifiers: ClinVar variation 949264 (VCV000949264.9), dbSNP rs1597563934, ClinGen allele CA392327268.